The following is an entry in ClinVar:

NM_174934.4(SCN4B):c.42G>T (p.Trp14Cys)

Gene: SCN4B (sodium voltage-gated channel beta subunit 4; minus strand). Cytogenetic location: 11q23.3.
Variant type: single nucleotide variant.
Coding change: c.42G>T on transcript NM_174934.4 (MANE Select); coding-DNA position 42, G replaced by T.
Protein change: p.Trp14Cys; replaces tryptophan 14 with cysteine.
Molecular consequence: missense variant.
Genome position (GRCh38, 1-based): chr11:118,152,632, C>A on the plus strand (G>T on the coding strand, the complement: SCN4B is on the minus strand). VCF-style: chr11-118152632-C-A. GRCh37 (hg19) VCF-style: chr11-118023347-C-A.
Other names: c.42G>T, p.Trp14Cys (NM_001142348.2); short protein forms W14C.
Identifiers: ClinVar variation 2988268 (VCV002988268.3), dbSNP rs1555098880, ClinGen allele CA382780421.

ClinVar aggregate classification (germline): Uncertain significance (1 of 4 stars; one submission).

Conditions:
Long QT syndrome 10 (LQT10). Identifiers: Orphanet 101016, Orphanet 768, MedGen C2678484, MONDO:0012737, OMIM 611819.

Allele frequency attached by ClinVar (database versions not stated): gnomAD exomes below 0.00001; gnomAD 0.00001; TOPMed 0.00001.
gnomAD v4.1: 5 of 1,612,548 alleles (0.00031%); highest among the groups gnomAD compares: Non-Finnish European, 0.00042%; no homozygotes.

Submission:

Labcorp Genetics (formerly Invitae), Labcorp
Classification: Uncertain significance for Long QT syndrome 10. Last evaluated: 2023-08-24. Review status: criteria provided, single submitter. Criteria: Invitae Variant Classification Sherloc (09022015). Collection method: clinical testing. Allele origin: germline.
Comment: This variant is not present in population databases (gnomAD no frequency). This variant has not been reported in the literature in individuals affected with SCN4B-related conditions. This sequence change replaces tryptophan, which is neutral and slightly polar, with cysteine, which is neutral and slightly polar, at codon 14 of the SCN4B protein (p.Trp14Cys). In summary, the available evidence is currently insufficient to determine the role of this variant in disease. Therefore, it has been classified as a Variant of Uncertain Significance. An algorithm developed to predict the effect of missense changes on protein structure and function (PolyPhen-2) suggests that this variant is likely to be disruptive.